The following is an entry in ClinVar:

NM_198999.3(SLC26A5):c.1590A>G (p.Lys530=)

Gene: SLC26A5 (solute carrier family 26 member 5; minus strand). Cytogenetic location: 7q22.1.
Variant type: single nucleotide variant.
Coding change: c.1590A>G on transcript NM_198999.3 (MANE Select); coding-DNA position 1590, A replaced by G.
Protein change: p.Lys530=; no amino-acid change (lysine 530 retained).
Molecular consequence: synonymous variant. On other transcripts: non-coding transcript variant (5), intron variant (2).
Genome position (GRCh38, 1-based): chr7:103,379,330, T>C on the plus strand (A>G on the coding strand, the complement: SLC26A5 is on the minus strand). VCF-style: chr7-103379330-T-C. GRCh37 (hg19) VCF-style: chr7-103019777-T-C.
Other names: c.1494A>G, p.Lys498= (NM_001167962.2, NM_001321787.2); c.1590A>G, p.Lys530= (NM_206883.3); c.971+18602A>G (NM_206885.3); c.1514+9678A>G (NM_206884.3).
Identifiers: ClinVar variation 358350 (VCV000358350.13), dbSNP rs138432667, ClinGen allele CA4419455.
Genomic context (GRCh38, chr7:103,379,330, plus strand): 5'-GTCGCTATTTGCATAGTAAATTGGTGCATTTATTTGAAATATTTTTATTCCAGGAATTTC[T>C]TTCACCTGAAGAGTAAAATATTGCTGAATTTAACACATGGAAATATTTCAGAATCAAAAC-3'
Protein context (NP_945350.1, residues 520-540): YIDIDAYEEV[Lys530=]EIPGIKIFQI

ClinVar aggregate classification (germline): Benign. Review status: criteria provided, multiple submitters, no conflicts (2 of 4 stars). 4 submissions from 4 submitters: Benign (3). 1 of the submissions does not count toward it. Last evaluated 2025-05-06.

Conditions:
SLC26A5-related disorder. Also called: SLC26A5-related condition.

Allele frequency attached by ClinVar (database versions not stated): gnomAD exomes 0.00034; ExAC 0.00043; ESP Exome Variant Server 0.00108; TOPMed 0.00134; gnomAD 0.00135 and 0.00143; 1000 Genomes Project 0.00140; 1000 Genomes Project 30x 0.00156.
gnomAD v4.1: 383 of 1,593,594 alleles (0.024%); highest among the groups gnomAD compares: African/African-American, 0.48%; no homozygotes.

Submissions (4):

Labcorp Genetics (formerly Invitae), Labcorp
Classification: Benign. Last evaluated: 2025-05-06. Review status: criteria provided, single submitter. Criteria: Invitae Variant Classification Sherloc (09022015). Collection method: clinical testing. Allele origin: germline.

GeneDx
Classification: Benign. Last evaluated: 2020-09-09. Review status: criteria provided, single submitter. Criteria: GeneDx Variant Classification Process June 2021. Collection method: clinical testing. Allele origin: germline. Affected: yes.

Breakthrough Genomics
Classification: Benign. Review status: criteria provided, single submitter. Criteria: ACMG Guidelines, 2015. Collection method: not provided. Allele origin: germline. Inheritance: Autosomal recessive inheritance. Affected: yes.

PreventionGenetics, part of Exact Sciences
Classification: Likely benign for SLC26A5-related condition. Last evaluated: 2019-10-28. Review status: no assertion criteria provided. Collection method: clinical testing. Allele origin: germline. Not counted in ClinVar's aggregate classification.
Comment: This variant is classified as likely benign based on ACMG/AMP sequence variant interpretation guidelines (Richards et al. 2015 PMID: 25741868, with internal and published modifications).